The following is an entry in ClinVar:

NM_147127.5(EVC2):c.3212del (p.Ser1071fs)

Gene: EVC2 (EvC ciliary complex subunit 2; minus strand). Cytogenetic location: 4p16.2.
Variant type: Deletion.
Coding change: c.3212del on transcript NM_147127.5 (MANE Select); coding-DNA position 3212, one base deleted (C; older notation c.3212delC).
Protein change: p.Ser1071fs; shifts the reading frame from serine 1071.
Molecular consequence: frameshift variant.
Genome position (GRCh38, 1-based): chr4:5,576,300, G deleted on the plus strand (C on the coding strand, the reverse complement: EVC2 is on the minus strand). VCF-style (leftmost placement, unchanged base first): chr4-5576299-AG-A. GRCh37 (hg19) VCF-style: chr4-5578026-AG-A.
Other names: c.2972del, p.Ser991fs (NM_001166136.2); short protein forms S1071fs, S991fs.
Identifiers: ClinVar variation 5012590 (VCV005012590.1).

ClinVar aggregate classification (germline): Pathogenic (1 of 4 stars; one submission).

Conditions:
Ellis-van Creveld syndrome (EVC). Also called: MESOECTODERMAL DYSPLASIA; Chondroectodermal dysplasia. Identifiers: Orphanet 289, MedGen C0013903, MONDO:0009162, OMIM 225500.

Submission:

Myriad Genetics, Inc.
Classification: Pathogenic for Ellis-van Creveld syndrome. Last evaluated: 2023-12-19. Review status: criteria provided, single submitter. Criteria: Myriad Autosomal Dominant, Autosomal Recessive and X-Linked Classification Criteria (2023). Collection method: clinical testing. Allele origin: unknown.
Comment: NM_147127.4(EVC2):c.3212delC(S1071Lfs*8) is expected to be pathogenic in the context of EVC2-related Ellis-van Creveld syndrome. This variant is predicted to lead to an abnormal or absent protein product due to the creation of a premature termination codon in EVC2, a gene where loss-of-function variants are known to be pathogenic. Please note: this variant was assessed in the context of healthy population screening.